The following is an entry in ClinVar:

ClinVar aggregate classification (germline): Uncertain significance (1 of 4 stars; one submission).

Conditions:
Hypertrophic cardiomyopathy. Also called: HYPERTROPHIC MYOCARDIOPATHY. Identifiers: Orphanet 217569, MedGen C0007194, MeSH D002312, MONDO:0005045, HP:0001639.

Submission:

Labcorp Genetics (formerly Invitae), Labcorp
Classification: Uncertain significance for Hypertrophic cardiomyopathy. Last evaluated: 2025-02-16. Review status: criteria provided, single submitter. Criteria: Invitae Variant Classification Sherloc (09022015). Collection method: clinical testing. Allele origin: germline.
Comment: This sequence change replaces proline, which is neutral and non-polar, with serine, which is neutral and polar, at codon 116 of the MYL3 protein (p.Pro116Ser). This variant is not present in population databases (gnomAD no frequency). This variant has not been reported in the literature in individuals affected with MYL3-related conditions. An algorithm developed to predict the effect of missense changes on protein structure and function (PolyPhen-2) suggests that this variant is likely to be disruptive. In summary, the available evidence is currently insufficient to determine the role of this variant in disease. Therefore, it has been classified as a Variant of Uncertain Significance.

NM_000258.3(MYL3):c.346C>T (p.Pro116Ser)

Gene: MYL3 (myosin light chain 3; minus strand). Cytogenetic location: 3p21.31.
Variant type: single nucleotide variant.
Coding change: c.346C>T on transcript NM_000258.3 (MANE Select); coding-DNA position 346, C replaced by T.
Protein change: p.Pro116Ser; replaces proline 116 with serine.
Molecular consequence: missense variant.
Genome position (GRCh38, 1-based): chr3:46,859,610, G>A on the plus strand (C>T on the coding strand, the complement: MYL3 is on the minus strand). VCF-style: chr3-46859610-G-A. GRCh37 (hg19) VCF-style: chr3-46901100-G-A.
Other names: c.346C>T, p.Pro116Ser (NM_001406937.1, NM_001406938.1, NM_001406939.1); c.172C>T, p.Pro58Ser (NM_001406940.1, NM_001406941.1); short protein forms P116S, P58S.
Identifiers: ClinVar variation 4768787 (VCV004768787.1).